The following is an entry in ClinVar:

ClinVar aggregate classification (germline): Uncertain significance (1 of 4 stars; one submission).

Conditions:
Klippel-Feil syndrome 1, autosomal dominant (KFS1). Also called: CERVICAL VERTEBRAL FUSION, AUTOSOMAL DOMINANT. Identifiers: Orphanet 2345, MedGen C1861689, MONDO:0007306, OMIM 118100.
Leber congenital amaurosis 17 (LCA17). Identifiers: Orphanet 65, MedGen C3715164, MONDO:0014145, OMIM 615360.
Microphthalmia, isolated, with coloboma 6 (MCOPCB6). Also called: Microphthalmia with coloboma 6, digenic; Microphthalmia with coloboma 6; MICROPHTHALMIA/COLOBOMA 6. Identifiers: Orphanet 98938, MedGen C3150968, MONDO:0013376, OMIM 613703.
Isolated microphthalmia 4. Identifiers: Orphanet 2542, MedGen C2751307, MONDO:0013130, OMIM 613094.

Allele frequency attached by ClinVar (database versions not stated): gnomAD exomes below 0.00001; TOPMed below 0.00001; gnomAD 0.00001.
gnomAD v4.1: 4 of 1,528,456 alleles (0.00026%); highest among the groups gnomAD compares: Non-Finnish European, 0.00035%; no homozygotes.

Submission:

Labcorp Genetics (formerly Invitae), Labcorp
Classification: Uncertain significance for Isolated microphthalmia 4; Leber congenital amaurosis 17; Klippel-Feil syndrome 1, autosomal dominant; Microphthalmia, isolated, with coloboma 6. Last evaluated: 2022-07-18. Review status: criteria provided, single submitter. Criteria: Invitae Variant Classification Sherloc (09022015). Collection method: clinical testing. Allele origin: germline.
Comment: This sequence change replaces aspartic acid, which is acidic and polar, with glycine, which is neutral and non-polar, at codon 216 of the GDF6 protein (p.Asp216Gly). This missense change has been observed in individual(s) with microphthalmia (PMID: 9129173). In summary, the available evidence is currently insufficient to determine the role of this variant in disease. Therefore, it has been classified as a Variant of Uncertain Significance. Algorithms developed to predict the effect of missense changes on protein structure and function are either unavailable or do not agree on the potential impact of this missense change (SIFT: "Deleterious"; PolyPhen-2: "Probably Damaging"; Align-GVGD: "Class C0"). ClinVar contains an entry for this variant (Variation ID: 1449223). This variant is not present in population databases (gnomAD no frequency).

Literature cited by the submitters: PubMed 9129173.

NM_001001557.4(GDF6):c.647A>G (p.Asp216Gly)

Gene: GDF6 (growth differentiation factor 6; minus strand). Cytogenetic location: 8q22.1.
Variant type: single nucleotide variant.
Coding change: c.647A>G on transcript NM_001001557.4 (MANE Select); coding-DNA position 647, A replaced by G.
Protein change: p.Asp216Gly; replaces aspartic acid 216 with glycine.
Molecular consequence: missense variant.
Genome position (GRCh38, 1-based): chr8:96,145,284, T>C on the plus strand (A>G on the coding strand, the complement: GDF6 is on the minus strand). VCF-style: chr8-96145284-T-C. GRCh37 (hg19) VCF-style: chr8-97157512-T-C.
Other names: short protein forms D216G.
Identifiers: ClinVar variation 1449223 (VCV001449223.6), dbSNP rs1812457627, ClinGen allele CA371752162.
Genomic context (GRCh38, chr8:96,145,284, plus strand): 5'-GCGGCCCGCAGCTCCAAGCACAGCTGCTTCCAGGGCTGGTGGCGCAGGCCCTGCCACACG[T>C]CGAAGACTTCCCAGCCGGCCGGCGGCGCCCCCTGCGGGTCCAGGGTCCGCGCGTCCAGCA-3'
Protein context (NP_001001557.1, residues 206-226): GAPPAGWEVF[Asp216Gly]VWQGLRHQPW